The following is an entry in ClinVar:

NM_170707.4(LMNA):c.1157+1G>T

Gene: LMNA (lamin A/C; plus strand). Cytogenetic location: 1q22.
Variant type: single nucleotide variant.
Coding change: c.1157+1G>T on transcript NM_170707.4 (MANE Select); the canonical splice donor site of the intron after coding-DNA position 1157, G replaced by T.
Molecular consequence: splice donor variant.
Genome position (GRCh38, 1-based): chr1:156,136,122, G>T. VCF-style: chr1-156136122-G-T. GRCh37 (hg19) VCF-style: chr1-156105913-G-T.
Other names: c.533+1G>T (NM_001406994.1, NM_001407001.1, NM_001406999.1 and 1 more transcripts); c.1157+1G>T (NM_001406985.1, NM_001282626.2, NM_170708.4 and 6 more transcripts); c.599+1G>T (NM_001406995.1, NM_001406990.1, NM_001406996.1 and 4 more transcripts); c.914+1G>T (NM_001406987.1, NM_001282624.2, NM_001406986.1); c.821+1G>T (NM_001406989.1, NM_001257374.3, NM_001406998.1); c.860+1G>T (NM_001406988.1).
Identifiers: ClinVar variation 246075 (VCV000246075.11), dbSNP rs267607590, ClinGen allele CA10584128.

ClinVar aggregate classification (germline): Pathogenic/Likely pathogenic. Review status: criteria provided, multiple submitters, no conflicts (2 of 4 stars). 2 submissions from 2 submitters: Pathogenic (1); Likely pathogenic (1). Last evaluated 2026-07-28.

Conditions:
Charcot-Marie-Tooth disease type 2. Also called: Charcot-Marie-Tooth type 2. Identifiers: Orphanet 64746, MedGen C0270914, MONDO:0018993.

Submissions (2):

GeneDx
Classification: Pathogenic. Last evaluated: 2026-07-28. Review status: criteria provided, single submitter. Criteria: GeneDx Variant Classification Process June 2021. Collection method: clinical testing. Allele origin: germline.
Comment: Canonical splice site variant predicted to result in a null allele in a gene for which loss of function is a known mechanism of disease; Not observed at significant frequency in large population cohorts (gnomAD); This variant is associated with the following publications: (PMID: 24034385, 22224630, 39204134, 28878402, 24846508)

Labcorp Genetics (formerly Invitae), Labcorp
Classification: Likely pathogenic for Charcot-Marie-Tooth disease type 2. Last evaluated: 2024-05-12. Review status: criteria provided, single submitter. Criteria: Invitae Variant Classification Sherloc (09022015). Collection method: clinical testing. Allele origin: germline.
Comment: This sequence change affects a donor splice site in intron 6 of the LMNA gene. It is expected to disrupt RNA splicing. Variants that disrupt the donor or acceptor splice site typically lead to a loss of protein function (PMID: 16199547), and loss-of-function variants in LMNA are known to be pathogenic (PMID: 18585512, 18926329). This variant is not present in population databases (gnomAD no frequency). Disruption of this splice site has been observed in individual(s) with clinical features of LMNA-related conditions (PMID: 22224630, 24034385, 28878402). This variant is also known as IVS6+1G>T. ClinVar contains an entry for this variant (Variation ID: 246075). Algorithms developed to predict the effect of sequence changes on RNA splicing suggest that this variant may disrupt the consensus splice site. In summary, the currently available evidence indicates that the variant is pathogenic, but additional data are needed to prove that conclusively. Therefore, this variant has been classified as Likely Pathogenic.

Literature cited by the submitters: PubMed 16199547 (cited by Labcorp Genetics (formerly Invitae), Labcorp); PubMed 18585512 (cited by Labcorp Genetics (formerly Invitae), Labcorp); PubMed 18926329 (cited by Labcorp Genetics (formerly Invitae), Labcorp); PubMed 22224630 (cited by Labcorp Genetics (formerly Invitae), Labcorp); PubMed 24034385 (cited by Labcorp Genetics (formerly Invitae), Labcorp); PubMed 28878402 (cited by Labcorp Genetics (formerly Invitae), Labcorp).